The following is an entry in ClinVar:

NM_021101.5(CLDN1):c.41C>T (p.Ala14Val)

Genes: CLDN1 (claudin 1; minus strand), CLDN16 (claudin 16; plus strand). Cytogenetic location: 3q28.
Variant type: single nucleotide variant.
Coding change: c.41C>T on transcript NM_021101.5 (MANE Select); coding-DNA position 41, C replaced by T.
Protein change: p.Ala14Val; replaces alanine 14 with valine.
Molecular consequence: missense variant.
Genome position (GRCh38, 1-based): chr3:190,322,166, G>A on the plus strand (C>T on the coding strand, the complement: CLDN1 is on the minus strand). VCF-style: chr3-190322166-G-A. GRCh37 (hg19) VCF-style: chr3-190039955-G-A.
Other names: c.41C>T (NM_021101.4); short protein forms A14V.
Identifiers: ClinVar variation 288149 (VCV000288149.11), dbSNP rs141961866, ClinGen allele CA2753644.

ClinVar aggregate classification (germline): Uncertain significance. Review status: criteria provided, multiple submitters, no conflicts (2 of 4 stars). 4 submissions from 4 submitters: Uncertain significance (3). 1 of the submissions does not count toward it. Last evaluated 2025-10-07.

Conditions:
CLDN1-related disorder. Also called: CLDN1-related condition.
Neonatal ichthyosis-sclerosing cholangitis syndrome (ILVASC). Also called: NISCH SYNDROME; ICHTHYOSIS-SCLEROSING CHOLANGITIS SYNDROME. Identifiers: Orphanet 59303, MedGen C1843355, MONDO:0011874, OMIM 607626.

Allele frequency attached by ClinVar (database versions not stated): ESP Exome Variant Server 0.00015; 1000 Genomes Project 30x 0.00016; 1000 Genomes Project 0.00020; TOPMed 0.00031; ExAC 0.00042; gnomAD exomes 0.00045.
gnomAD v4.1: 646 of 1,614,160 alleles (0.04%); highest among the groups gnomAD compares: Middle Eastern, 0.12%; no homozygotes.

Submissions (4):

Labcorp Genetics (formerly Invitae), Labcorp
Classification: Uncertain significance. Last evaluated: 2025-10-07. Review status: criteria provided, single submitter. Criteria: Invitae Variant Classification Sherloc (09022015). Collection method: clinical testing. Allele origin: germline.
Comment: This sequence change replaces alanine, which is neutral and non-polar, with valine, which is neutral and non-polar, at codon 14 of the CLDN1 protein (p.Ala14Val). This variant is present in population databases (rs141961866, gnomAD 0.2%). This variant has not been reported in the literature in individuals affected with CLDN1-related conditions. ClinVar contains an entry for this variant (Variation ID: 288149). An algorithm developed to predict the effect of missense changes on protein structure and function (PolyPhen-2) suggests that this variant is likely to be disruptive. In summary, the available evidence is currently insufficient to determine the role of this variant in disease. Therefore, it has been classified as a Variant of Uncertain Significance.

Department of Pathology and Laboratory Medicine, Sinai Health System
Classification: Uncertain significance for neonatal ichthyosis-sclerosing cholangitis syndrome. Last evaluated: 2021-10-12. Review status: criteria provided, single submitter. Criteria: ACMG Guidelines, 2015. Collection method: research. Allele origin: germline.

Eurofins Ntd Llc (ga)
Classification: Uncertain significance. Last evaluated: 2018-06-21. Review status: criteria provided, single submitter. Criteria: EGL ClinVar v180209 classification definitions. Collection method: clinical testing. Allele origin: germline. Observed: 4 variant alleles, 4 heterozygotes.

PreventionGenetics, part of Exact Sciences
Classification: Likely benign for CLDN1-related condition. Last evaluated: 2022-06-07. Review status: no assertion criteria provided. Collection method: clinical testing. Allele origin: germline. Not counted in ClinVar's aggregate classification.
Comment: This variant is classified as likely benign based on ACMG/AMP sequence variant interpretation guidelines (Richards et al. 2015 PMID: 25741868, with internal and published modifications).